The following is an entry in ClinVar:

NM_005612.5(REST):c.611C>G (p.Ser204Cys)

Gene: REST (RE1 silencing transcription factor; plus strand). Cytogenetic location: 4q12.
Variant type: single nucleotide variant.
Coding change: c.611C>G on transcript NM_005612.5 (MANE Select); coding-DNA position 611, C replaced by G.
Protein change: p.Ser204Cys; replaces serine 204 with cysteine.
Molecular consequence: missense variant.
Genome position (GRCh38, 1-based): chr4:56,911,249, C>G. VCF-style: chr4-56911249-C-G. GRCh37 (hg19) VCF-style: chr4-57777415-C-G.
Other names: c.611C>G, p.Ser204Cys (NM_001193508.2, NM_001363453.3); short protein forms S204C.
Identifiers: ClinVar variation 2703862 (VCV002703862.3), dbSNP rs1173681874, ClinGen allele CA357004420.

ClinVar aggregate classification (germline): Uncertain significance (1 of 4 stars; one submission).

Allele frequency attached by ClinVar (database versions not stated): gnomAD exomes below 0.00001.
gnomAD v4.1: 1 of 1,614,170 alleles (0.000062%); highest among the groups gnomAD compares: East Asian, 0.0022%; no homozygotes.

Submission:

Labcorp Genetics (formerly Invitae), Labcorp
Classification: Uncertain significance. Last evaluated: 2023-12-18. Review status: criteria provided, single submitter. Criteria: Invitae Variant Classification Sherloc (09022015). Collection method: clinical testing. Allele origin: germline.
Comment: This sequence change replaces serine, which is neutral and polar, with cysteine, which is neutral and slightly polar, at codon 204 of the REST protein (p.Ser204Cys). This variant is present in population databases (no rsID available, gnomAD 0.006%). This variant has not been reported in the literature in individuals affected with REST-related conditions. Algorithms developed to predict the effect of missense changes on protein structure and function output the following: SIFT: "Not Available"; PolyPhen-2: "Benign"; Align-GVGD: "Not Available". The cysteine amino acid residue is found in multiple mammalian species, which suggests that this missense change does not adversely affect protein function. In summary, the available evidence is currently insufficient to determine the role of this variant in disease. Therefore, it has been classified as a Variant of Uncertain Significance.